The following is an entry in ClinVar:

NM_003719.5(PDE8B):c.2235G>A (p.Lys745=)

Gene: PDE8B (phosphodiesterase 8B; plus strand). Cytogenetic location: 5q13.3.
Variant type: single nucleotide variant.
Coding change: c.2235G>A on transcript NM_003719.5 (MANE Select); coding-DNA position 2235, G replaced by A.
Protein change: p.Lys745=; no amino-acid change (lysine 745 retained).
Molecular consequence: synonymous variant.
Genome position (GRCh38, 1-based): chr5:77,419,872, G>A. VCF-style: chr5-77419872-G-A. GRCh37 (hg19) VCF-style: chr5-76715697-G-A.
Other names: c.1944G>A, p.Lys648= (NM_001029851.4); c.2070G>A, p.Lys690= (NM_001029852.4); c.2175G>A, p.Lys725= (NM_001029853.4); c.2094G>A, p.Lys698= (NM_001029854.4); c.2232G>A, p.Lys744= (NM_001349748.3, NM_001349751.3); c.2298G>A, p.Lys766= (NM_001349749.3); c.1995G>A, p.Lys665= (NM_001349750.3); c.1929G>A, p.Lys643= (NM_001349752.3); and 12 more.
Identifiers: ClinVar variation 354170 (VCV000354170.8), dbSNP rs774632534, ClinGen allele CA3315444.

ClinVar aggregate classification (germline): Benign/Likely benign. Review status: criteria provided, multiple submitters, no conflicts (2 of 4 stars). 2 submissions from 2 submitters: Benign (1); Likely benign (1). Last evaluated 2018-05-24.

Conditions:
Autosomal dominant striatal neurodegeneration type 1. Identifiers: Orphanet 228169, MedGen C4310808, MONDO:0012205, OMIM 609161.

Allele frequency attached by ClinVar (database versions not stated): gnomAD exomes 0.00002 and 0.00010; TOPMed 0.00003; ExAC 0.00011.
gnomAD v4.1: 26 of 1,614,058 alleles (0.0016%); highest among the groups gnomAD compares: Admixed American, 0.037%; no homozygotes.

Submissions (2):

Labcorp Genetics (formerly Invitae), Labcorp
Classification: Likely benign. Last evaluated: 2018-05-24. Review status: criteria provided, single submitter. Criteria: Invitae Variant Classification Sherloc (09022015). Collection method: clinical testing. Allele origin: germline.

Illumina Laboratory Services, Illumina
Classification: Benign for Autosomal dominant striatal neurodegeneration type 1. Last evaluated: 2018-01-12. Review status: criteria provided, single submitter. Criteria: ICSL Variant Classification Criteria 13 December 2019. Collection method: clinical testing. Allele origin: germline.
Comment: This variant was observed in the ICSL laboratory as part of a predisposition screen in an ostensibly healthy population. It had not been previously curated by ICSL or reported in the Human Gene Mutation Database (HGMD: prior to June 1st, 2018), and was therefore a candidate for classification through an automated scoring system. Utilizing variant allele frequency, disease prevalence and penetrance estimates, and inheritance mode, an automated score was calculated to assess if this variant is too frequent to cause the disease. Based on the score and internal cut-off values, a variant classified as benign is not then subjected to further curation. The score for this variant resulted in a classification of benign for this disease.